The following is an entry in ClinVar:

ClinVar aggregate classification (germline): Uncertain significance (1 of 4 stars; one submission).

Conditions:
Familial adenomatous polyposis 1 (FAP1). Also called: FAMILIAL ADENOMATOUS POLYPOSIS 1, ATTENUATED; POLYPOSIS, ADENOMATOUS INTESTINAL. Identifiers: MedGen C2713442, MONDO:0021056, OMIM 175100. Disease mechanism: loss of function.

gnomAD v4.1: 2 of 1,613,878 alleles (0.00012%); highest among the groups gnomAD compares: South Asian, 0.0022%; no homozygotes.

Submission:

Labcorp Genetics (formerly Invitae), Labcorp
Classification: Uncertain significance for Familial adenomatous polyposis 1. Last evaluated: 2025-03-09. Review status: criteria provided, single submitter. Criteria: Invitae Variant Classification Sherloc (09022015). Collection method: clinical testing. Allele origin: germline.
Comment: This sequence change replaces threonine, which is neutral and polar, with alanine, which is neutral and non-polar, at codon 509 of the APC protein (p.Thr509Ala). This variant is not present in population databases (gnomAD no frequency). This variant has not been reported in the literature in individuals affected with APC-related conditions. Invitae Evidence Modeling of protein sequence and biophysical properties (such as structural, functional, and spatial information, amino acid conservation, physicochemical variation, residue mobility, and thermodynamic stability) indicates that this missense variant is not expected to disrupt APC protein function with a negative predictive value of 95%. In summary, the available evidence is currently insufficient to determine the role of this variant in disease. Therefore, it has been classified as a Variant of Uncertain Significance.

NM_000038.6(APC):c.1525A>G (p.Thr509Ala)

Gene: APC (APC regulator of Wnt signaling pathway; plus strand). Cytogenetic location: 5q22.2.
Variant type: single nucleotide variant.
Coding change: c.1525A>G on transcript NM_000038.6 (MANE Select); coding-DNA position 1525, A replaced by G.
Protein change: p.Thr509Ala; replaces threonine 509 with alanine.
Molecular consequence: missense variant.
Genome position (GRCh38, 1-based): chr5:112,827,224, A>G. VCF-style: chr5-112827224-A-G. GRCh37 (hg19) VCF-style: chr5-112162921-A-G.
Other names: c.1525A>G, p.Thr509Ala (NM_001127510.3, NM_001354895.2, NM_001407450.1); c.1471A>G, p.Thr491Ala (NM_001127511.3); c.1579A>G, p.Thr527Ala (NM_001354896.2, NM_001407447.1, NM_001407448.1 and 1 more transcripts); c.1555A>G, p.Thr519Ala (NM_001354897.2); c.1450A>G, p.Thr484Ala (NM_001354898.2); c.1441A>G, p.Thr481Ala (NM_001354899.2); c.1402A>G, p.Thr468Ala (NM_001354900.2); c.1348A>G, p.Thr450Ala (NM_001354901.2, NM_001407453.1); and 11 more; short protein forms T125A, T226A, T349A, T380A, T383A, T408A, T418A, T426A.
Identifiers: ClinVar variation 4801445 (VCV004801445.1).